The following is an entry in ClinVar:

NM_024675.4(PALB2):c.419del (p.Lys140fs)

Gene: PALB2 (partner and localizer of BRCA2; minus strand). Cytogenetic location: 16p12.2.
Variant type: Deletion.
Coding change: c.419del on transcript NM_024675.4 (MANE Select); coding-DNA position 419, one base deleted (A; older notation c.419delA).
Protein change: p.Lys140fs; shifts the reading frame from lysine 140.
Molecular consequence: frameshift variant.
Genome position (GRCh38, 1-based): chr16:23,636,127, T deleted on the plus strand (A on the coding strand, the reverse complement: PALB2 is on the minus strand); the first of 4 consecutive T bases (chr16:23,636,127-23,636,130); deleting any one gives the same sequence. VCF-style (leftmost placement, unchanged base first): chr16-23636126-CT-C. GRCh37 (hg19) VCF-style: chr16-23647447-CT-C.
Other names: short protein forms K140fs.
Identifiers: ClinVar variation 968403 (VCV000968403.8), dbSNP rs1597099331, ClinGen allele CA1139664625.
Genomic context (GRCh38, chr16:23,636,126, plus strand): 5'-TCTCTCCTGTGAAATAAATGTCCTCTTCTGCTGCTTCTTTCTTCTGCTTGGCAGCTTCTG[CT>C]TTTGCTCACCACTAGGGTCACTGACCCTGTGGGGAAAATGTTCTTGGGTGTCATCTGTTC-3'

ClinVar aggregate classification (germline): Pathogenic (1 of 4 stars; one submission).

Conditions:
Familial cancer of breast. Also called: Hereditary breast cancer; BREAST CANCER, FAMILIAL; hereditary breast carcinoma. Identifiers: Orphanet 227535, MedGen C0346153, MONDO:0016419, OMIM 114480. Disease mechanism: loss of function.

Submission:

Labcorp Genetics (formerly Invitae), Labcorp
Classification: Pathogenic for Familial cancer of breast. Last evaluated: 2025-07-23. Review status: criteria provided, single submitter. Criteria: Invitae Variant Classification Sherloc (09022015). Collection method: clinical testing. Allele origin: germline.
Comment: This sequence change creates a premature translational stop signal (p.Lys140Serfs*37) in the PALB2 gene. It is expected to result in an absent or disrupted protein product. Loss-of-function variants in PALB2 are known to be pathogenic (PMID: 17200668, 17200671, 17200672, 24136930, 25099575). This variant is not present in population databases (gnomAD no frequency). This premature translational stop signal has been observed in individual(s) with breast cancer (PMID: 27648926). ClinVar contains an entry for this variant (Variation ID: 968403). For these reasons, this variant has been classified as Pathogenic.

Literature cited by the submitters: PubMed 17200668; PubMed 17200671; PubMed 17200672; PubMed 24136930; PubMed 25099575; PubMed 27648926.